The following is an entry in ClinVar:

ClinVar aggregate classification (germline): Uncertain significance (1 of 4 stars; one submission).

Conditions:
Inborn genetic diseases. Identifiers: MedGen C0950123, MeSH D030342.

gnomAD v4.1: 11 of 1,554,584 alleles (0.00071%); highest among the groups gnomAD compares: African/African-American, 0.0014%; no homozygotes.

Submission:

Ambry Genetics
Classification: Uncertain significance for Inborn genetic diseases. Last evaluated: 2025-01-06. Review status: criteria provided, single submitter. Criteria: Ambry Variant Classification Scheme 2023. Collection method: clinical testing. Allele origin: germline.
Comment: The p.S847I variant (also known as c.2540G>T), located in coding exon 26 of the RTEL1 gene, results from a G to T substitution at nucleotide position 2540. The serine at codon 847 is replaced by isoleucine, an amino acid with dissimilar properties. This amino acid position is conserved. In addition, this alteration is predicted to be tolerated by in silico analysis. Based on the available evidence, the clinical significance of this variant remains unclear.

NM_001283009.2(RTEL1):c.2540G>T (p.Ser847Ile)

Genes: RTEL1 (regulator of telomere elongation helicase 1; plus strand), RTEL1-TNFRSF6B (RTEL1-TNFRSF6B readthrough (NMD candidate); plus strand). Cytogenetic location: 20q13.33.
Variant type: single nucleotide variant.
Coding change: c.2540G>T on transcript NM_001283009.2 (MANE Select); coding-DNA position 2540, G replaced by T.
Protein change: p.Ser847Ile; replaces serine 847 with isoleucine.
Molecular consequence: missense variant. On other transcripts: non-coding transcript variant (1).
Genome position (GRCh38, 1-based): chr20:63,690,931, G>T. VCF-style: chr20-63690931-G-T. GRCh37 (hg19) VCF-style: chr20-62322284-G-T.
Other names: c.1871G>T, p.Ser624Ile (NM_001283010.1); c.2540G>T, p.Ser847Ile (NM_016434.4); c.2612G>T, p.Ser871Ile (NM_032957.5); short protein forms S847I, S871I, S624I.
Identifiers: ClinVar variation 3791036 (VCV003791036.1).